The following is an entry in ClinVar:

NM_032382.5(COG8):c.585+8C>T

Gene: COG8 (component of oligomeric golgi complex 8; minus strand). Cytogenetic location: 16q22.1.
Variant type: single nucleotide variant.
Coding change: c.585+8C>T on transcript NM_032382.5 (MANE Select); 8 bases into the intron after coding-DNA position 585, C replaced by T.
Molecular consequence: intron variant.
Genome position (GRCh38, 1-based): chr16:69,336,497, G>A on the plus strand (C>T on the coding strand, the complement: COG8 is on the minus strand). VCF-style: chr16-69336497-G-A. GRCh37 (hg19) VCF-style: chr16-69370400-G-A.
Other names: c.585+8C>T (NM_001379266.1, NM_001379265.1, NM_001379262.1 and 4 more transcripts).
Identifiers: ClinVar variation 320317 (VCV000320317.5), dbSNP rs562484375, ClinGen allele CA8133925.

ClinVar aggregate classification (germline): Conflicting classifications of pathogenicity. Review status: criteria provided, conflicting classifications (1 of 4 stars). 2 submissions from 2 submitters: Uncertain significance (1); Likely benign (1). Last evaluated 2018-01-12.

Conditions:
COG8-congenital disorder of glycosylation. Also called: CDG IIh; COG8-CDG. Identifiers: Orphanet 95428, MedGen C1970021, MONDO:0012635, OMIM 611182.

Allele frequency attached by ClinVar (database versions not stated): gnomAD below 0.00001 and 0.00002; TOPMed 0.00001; gnomAD exomes 0.00004 and 0.00007; ExAC 0.00011; 1000 Genomes Project 30x 0.00031; 1000 Genomes Project 0.00040.

Submissions (2):

Illumina Laboratory Services, Illumina
Classification: Uncertain significance for COG8-congenital disorder of glycosylation. Last evaluated: 2018-01-12. Review status: criteria provided, single submitter. Criteria: ICSL Variant Classification Criteria 13 December 2019. Collection method: clinical testing. Allele origin: germline.

GeneDx
Classification: Likely benign. Last evaluated: 2018-01-11. Review status: criteria provided, single submitter. Criteria: GeneDx Variant Classification (06012015). Collection method: clinical testing. Allele origin: germline. Affected: yes.
Comment: This variant is considered likely benign or benign based on one or more of the following criteria: it is a conservative change, it occurs at a poorly conserved position in the protein, it is predicted to be benign by multiple in silico algorithms, and/or has population frequency not consistent with disease.